The following is an entry in ClinVar:

ClinVar aggregate classification (germline): Likely benign (1 of 4 stars; one submission).

Allele frequency attached by ClinVar (database versions not stated): gnomAD 0.00001 and 0.00014; TOPMed 0.00004; gnomAD exomes 0.00027 and 0.00061; ExAC 0.00071; 1000 Genomes Project 0.00140; 1000 Genomes Project 30x 0.00156.
gnomAD v4.1: 408 of 1,529,706 alleles (0.027%); highest among the groups gnomAD compares: South Asian, 0.4%; 7 homozygotes.

Submission:

GeneDx
Classification: Likely benign. Last evaluated: 2017-06-12. Review status: criteria provided, single submitter. Criteria: GeneDx Variant Classification (06012015). Collection method: clinical testing. Allele origin: germline. Affected: yes.
Comment: This variant is considered likely benign or benign based on one or more of the following criteria: it is a conservative change, it occurs at a poorly conserved position in the protein, it is predicted to be benign by multiple in silico algorithms, and/or has population frequency not consistent with disease.

NM_001103.4(ACTN2):c.-43C>G

Gene: ACTN2 (actinin alpha 2; plus strand). Cytogenetic location: 1q43.
Variant type: single nucleotide variant.
Coding change: c.-43C>G on transcript NM_001103.4 (MANE Select); 43 bases upstream of the start codon, C replaced by G.
Molecular consequence: 5 prime UTR variant.
Genome position (GRCh38, 1-based): chr1:236,686,631, C>G. VCF-style: chr1-236686631-C-G. GRCh37 (hg19) VCF-style: chr1-236849931-C-G.
Other names: c.-43C>G (NM_001278343.2); c.-864C>G (NM_001278344.2).
Identifiers: ClinVar variation 516262 (VCV000516262.1), dbSNP rs200003968, ClinGen allele CA1472680.